The following is an entry in ClinVar:

NM_139276.3(STAT3):c.2005C>T (p.Pro669Ser)

Gene: STAT3 (signal transducer and activator of transcription 3; minus strand). Cytogenetic location: 17q21.2.
Variant type: single nucleotide variant.
Coding change: c.2005C>T on transcript NM_139276.3 (MANE Select); coding-DNA position 2005, C replaced by T.
Protein change: p.Pro669Ser; replaces proline 669 with serine.
Molecular consequence: missense variant.
Genome position (GRCh38, 1-based): chr17:42,322,378, G>A on the plus strand (C>T on the coding strand, the complement: STAT3 is on the minus strand). VCF-style: chr17-42322378-G-A. GRCh37 (hg19) VCF-style: chr17-40474396-G-A.
Other names: c.2005C>T, p.Pro669Ser (NM_001369512.1, NM_001369513.1, NM_001369514.1 and 9 more transcripts); c.1921C>T, p.Pro641Ser (NM_001384984.1); c.1927C>T, p.Pro643Ser (NM_001384985.1); c.2020C>T, p.Pro674Ser (NM_001384986.1, NM_001384990.1); c.1984C>T, p.Pro662Ser (NM_001384987.1); c.1909C>T, p.Pro637Ser (NM_001384989.1); c.1978C>T, p.Pro660Ser (NM_001384991.1); c.1945C>T, p.Pro649Ser (NM_001384992.1); short protein forms P637S, P649S, P662S, P669S, P641S, P674S, P643S, P660S.
Identifiers: ClinVar variation 2122125 (VCV002122125.4), dbSNP rs2144680063, ClinGen allele CA399581735.

ClinVar aggregate classification (germline): Uncertain significance (1 of 4 stars; one submission).

Conditions:
STAT3 gain of function. Identifiers: MedGen C4288261.
Hyper-IgE recurrent infection syndrome 1, autosomal dominant. Also called: JOB SYNDROME; Job's Syndrome; STAT3 Hyper IgE Syndrome; Hyper-IgE recurrent infection syndrome 1; HYPER-IgE SYNDROME 1, AUTOSOMAL DOMINANT, WITH RECURRENT INFECTIONS. Identifiers: Orphanet 2314, MedGen C2936739, MONDO:0007818, OMIM 147060.

Submission:

Labcorp Genetics (formerly Invitae), Labcorp
Classification: Uncertain significance for STAT3 gain of function; Hyper-IgE recurrent infection syndrome 1, autosomal dominant. Last evaluated: 2022-04-06. Review status: criteria provided, single submitter. Criteria: Invitae Variant Classification Sherloc (09022015). Collection method: clinical testing. Allele origin: germline.
Comment: This sequence change replaces proline, which is neutral and non-polar, with serine, which is neutral and polar, at codon 669 of the STAT3 protein (p.Pro669Ser). This variant is not present in population databases (gnomAD no frequency). In summary, the available evidence is currently insufficient to determine the role of this variant in disease. Therefore, it has been classified as a Variant of Uncertain Significance. Advanced modeling of protein sequence and biophysical properties (such as structural, functional, and spatial information, amino acid conservation, physicochemical variation, residue mobility, and thermodynamic stability) performed at Invitae indicates that this missense variant is expected to disrupt STAT3 protein function. This variant has not been reported in the literature in individuals affected with STAT3-related conditions.